The following is an entry in ClinVar:

NM_000245.4(MET):c.2539C>G (p.Pro847Ala)

Gene: MET (MET proto-oncogene, receptor tyrosine kinase; plus strand). Cytogenetic location: 7q31.2.
Variant type: single nucleotide variant.
Coding change: c.2539C>G on transcript NM_000245.4 (MANE Select); coding-DNA position 2539, C replaced by G.
Protein change: p.Pro847Ala; replaces proline 847 with alanine.
Molecular consequence: missense variant.
Genome position (GRCh38, 1-based): chr7:116,763,224, C>G. VCF-style: chr7-116763224-C-G. GRCh37 (hg19) VCF-style: chr7-116403278-C-G.
Other names: c.2593C>G, p.Pro865Ala (NM_001127500.3); c.2539C>G, p.Pro847Ala (NM_001324401.3); c.1249C>G, p.Pro417Ala (NM_001324402.2); short protein forms P417A, P847A, P865A.
Identifiers: ClinVar variation 4811380 (VCV004811380.1).
Genomic context (GRCh38, chr7:116,763,224, plus strand): 5'-CTTTCCAAATACTTTGATCTCATTTATGTACATAATCCTGTGTTTAAGCCTTTTGAAAAG[C>G]CAGTGATGATCTCAATGGGCAATGAAAATGTACTGGAAATTAAGGTAAGAAATGCTTTAA-3'
Protein context (NP_000236.2, residues 837-857): HNPVFKPFEK[Pro847Ala]VMISMGNENV

ClinVar aggregate classification (germline): Uncertain significance (1 of 4 stars; one submission).

Conditions:
Renal cell carcinoma. Identifiers: Orphanet 217071, MedGen C0007134, MeSH D002292, MONDO:0005086, HP:0005584.

Submission:

Labcorp Genetics (formerly Invitae), Labcorp
Classification: Uncertain significance for Renal cell carcinoma. Last evaluated: 2025-04-15. Review status: criteria provided, single submitter. Criteria: Invitae Variant Classification Sherloc (09022015). Collection method: clinical testing. Allele origin: germline.
Comment: This sequence change replaces proline, which is neutral and non-polar, with alanine, which is neutral and non-polar, at codon 865 of the MET protein (p.Pro865Ala). This variant is not present in population databases (gnomAD no frequency). This variant has not been reported in the literature in individuals affected with MET-related conditions. An algorithm developed to predict the effect of missense changes on protein structure and function (PolyPhen-2) suggests that this variant is likely to be disruptive. In summary, the available evidence is currently insufficient to determine the role of this variant in disease. Therefore, it has been classified as a Variant of Uncertain Significance.